The following is an entry in ClinVar:

NM_000094.4(COL7A1):c.276C>A (p.Phe92Leu)

Gene: COL7A1 (collagen type VII alpha 1 chain; minus strand). Cytogenetic location: 3p21.31.
Variant type: single nucleotide variant.
Coding change: c.276C>A on transcript NM_000094.4 (MANE Select); coding-DNA position 276, C replaced by A.
Protein change: p.Phe92Leu; replaces phenylalanine 92 with leucine.
Molecular consequence: missense variant.
Genome position (GRCh38, 1-based): chr3:48,593,687, G>T on the plus strand (C>A on the coding strand, the complement: COL7A1 is on the minus strand). VCF-style: chr3-48593687-G-T. GRCh37 (hg19) VCF-style: chr3-48631120-G-T.
Other names: short protein forms F92L.
Identifiers: ClinVar variation 1695519 (VCV001695519.3), dbSNP rs746563255, ClinGen allele CA352748911.

ClinVar aggregate classification (germline): Uncertain significance (1 of 4 stars; one submission).

Submission:

GeneDx
Classification: Uncertain significance. Last evaluated: 2025-01-02. Review status: criteria provided, single submitter. Criteria: GeneDx Variant Classification Process June 2021. Collection method: clinical testing. Allele origin: germline. Affected: yes.
Comment: Has not been previously published as pathogenic or benign to our knowledge; Not observed at significant frequency in large population cohorts (gnomAD); In silico analysis indicates that this missense variant does not alter protein structure/function; In silico analysis is inconclusive as to whether the variant alters gene splicing. In the absence of RNA/functional studies, the actual effect of this sequence change is unknown.